The following is an entry in ClinVar:

ClinVar aggregate classification (germline): Conflicting classifications of pathogenicity. Review status: criteria provided, conflicting classifications (1 of 4 stars). 3 submissions from 3 submitters: Uncertain significance (1); Likely benign (2). Last evaluated 2025-11-04.

Conditions:
Tumor predisposition syndrome 3 (TPDS3). Also called: Glioma susceptibility 9; LONG TELOMERE SYNDROME, POT1-RELATED; POT1 Tumor Predisposition; Melanoma, cutaneous malignant, susceptibility to, 10. Identifiers: Orphanet 618, MedGen C4014476, MONDO:0014368, OMIM 615848.
Hereditary cancer-predisposing syndrome. Also called: Hereditary neoplastic syndrome; Hereditary Cancer Syndrome; Neoplastic Syndromes, Hereditary; Tumor predisposition. Identifiers: Orphanet 140162, MedGen C0027672, MeSH D009386, MONDO:0015356.

Allele frequency attached by ClinVar (database versions not stated): gnomAD exomes below 0.00001 and 0.00001; gnomAD 0.00001.
gnomAD v4.1: 8 of 1,589,584 alleles (0.0005%); highest among the groups gnomAD compares: Non-Finnish European, 0.0006%; no homozygotes.

Submissions (3):

Ambry Genetics
Classification: Likely benign for Hereditary cancer-predisposing syndrome. Last evaluated: 2025-11-04. Review status: criteria provided, single submitter. Criteria: Ambry Variant Classification Scheme 2023. Collection method: clinical testing. Allele origin: germline.

Labcorp Genetics (formerly Invitae), Labcorp
Classification: Likely benign for Tumor predisposition syndrome 3. Last evaluated: 2024-05-06. Review status: criteria provided, single submitter. Criteria: Invitae Variant Classification Sherloc (09022015). Collection method: clinical testing. Allele origin: germline.

Sema4
Classification: Uncertain significance for Hereditary cancer-predisposing syndrome. Last evaluated: 2021-09-14. Review status: criteria provided, single submitter. Criteria: Sema4 Curation Guidelines. Collection method: curation. Allele origin: germline.
Comment: The POT1 c.870-3T>C variant has not been reported in the literature to our knowledge. It was observed in 1/112844 chromosomes of the European (non-Finnish) subpopulation in the large and broad cohorts of the Genome Aggregation Database (PMID: 32461654), and has been reported in ClinVar (Variation ID: 486146). In silico tools suggest the variant does not disrupt normal splicing, though these predictions have not been confirmed by functional studies. The evidence is insufficient to meet ACMG/AMP criteria for classifying the variant as benign or pathogenic. Thus, the clinical significance of this variant is currently uncertain.

NM_015450.3(POT1):c.870-3T>C

Gene: POT1 (protection of telomeres 1; minus strand). Cytogenetic location: 7q31.33.
Variant type: single nucleotide variant.
Coding change: c.870-3T>C on transcript NM_015450.3 (MANE Select); 3 bases into the intron before coding-DNA position 870, T replaced by C.
Molecular consequence: intron variant.
Genome position (GRCh38, 1-based): chr7:124,851,954, A>G on the plus strand (T>C on the coding strand, the complement: POT1 is on the minus strand). VCF-style: chr7-124851954-A-G. GRCh37 (hg19) VCF-style: chr7-124492008-A-G.
Other names: c.477-3T>C (NM_001042594.2).
Identifiers: ClinVar variation 486146 (VCV000486146.14), dbSNP rs1291756890, ClinGen allele CA457467043.